The following is an entry in ClinVar:

ClinVar aggregate classification (germline): Uncertain significance (1 of 4 stars; one submission).

Allele frequency attached by ClinVar (database versions not stated): gnomAD 0.00001; gnomAD exomes 0.00001; TOPMed 0.00001.
gnomAD v4.1: 8 of 1,204,928 alleles (0.00066%); highest among the groups gnomAD compares: Non-Finnish European, 0.00078%; no homozygotes.

Submission:

GeneDx
Classification: Uncertain significance. Last evaluated: 2025-05-14. Review status: criteria provided, single submitter. Criteria: GeneDx Variant Classification Process June 2021. Collection method: clinical testing. Allele origin: germline. Affected: yes.
Comment: Not observed at significant frequency in large population cohorts (gnomAD); In silico analysis suggests that this missense variant does not alter protein structure/function; Has not been previously published as pathogenic or benign to our knowledge

NM_005334.3(HCFC1):c.3749G>C (p.Gly1250Ala)

Gene: HCFC1 (host cell factor C1; minus strand). Cytogenetic location: Xq28.
Variant type: single nucleotide variant.
Coding change: c.3749G>C on transcript NM_005334.3 (MANE Select); coding-DNA position 3749, G replaced by C.
Protein change: p.Gly1250Ala; replaces glycine 1250 with alanine.
Molecular consequence: missense variant.
Genome position (GRCh38, 1-based): chrX:153,954,650, C>G on the plus strand (G>C on the coding strand, the complement: HCFC1 is on the minus strand). VCF-style: chrX-153954650-C-G. GRCh37 (hg19) VCF-style: chrX-153220101-C-G.
Other names: c.3749G>C, p.Gly1250Ala (NM_001410705.1); short protein forms G1250A.
Identifiers: ClinVar variation 2578111 (VCV002578111.2), dbSNP rs1327306478, ClinGen allele CA415119582.